The following is an entry in ClinVar:

ClinVar aggregate classification (germline): Uncertain significance. Review status: criteria provided, multiple submitters, no conflicts (2 of 4 stars). 2 submissions from 2 submitters: Uncertain significance (2). Last evaluated 2026-07-07.

Conditions:
Hereditary pheochromocytoma and paraganglioma. Also called: Hereditary pheochromocytoma-paraganglioma; Hereditary Paraganglioma-Pheochromocytoma Syndromes; Hereditary paragangliomas and pheochromocytomas. Identifiers: Orphanet 29072, MedGen C4274332, MONDO:0017366.
Hereditary cancer-predisposing syndrome. Also called: Hereditary neoplastic syndrome; Neoplastic Syndromes, Hereditary; Tumor predisposition; Hereditary Cancer Syndrome. Identifiers: Orphanet 140162, MedGen C0027672, MeSH D009386, MONDO:0015356.

Submissions (2):

Ambry Genetics
Classification: Uncertain significance for Hereditary cancer-predisposing syndrome. Last evaluated: 2026-07-07. Review status: criteria provided, single submitter. Criteria: Ambry Variant Classification Scheme 2023. Collection method: clinical testing. Allele origin: germline.
Comment: The p.L153P variant (also known as c.458T>C), located in coding exon 3 of the TMEM127 gene, results from a T to C substitution at nucleotide position 458. The leucine at codon 153 is replaced by proline, an amino acid with similar properties. This amino acid position is conserved. In addition, this alteration is predicted to be deleterious by in silico analysis. Based on the available evidence, the clinical significance of this variant remains unclear.

Labcorp Genetics (formerly Invitae), Labcorp
Classification: Uncertain significance for Hereditary pheochromocytoma and paraganglioma. Last evaluated: 2024-10-07. Review status: criteria provided, single submitter. Criteria: Invitae Variant Classification Sherloc (09022015). Collection method: clinical testing. Allele origin: germline.
Comment: This sequence change replaces leucine, which is neutral and non-polar, with proline, which is neutral and non-polar, at codon 153 of the TMEM127 protein (p.Leu153Pro). This variant is not present in population databases (gnomAD no frequency). This variant has not been reported in the literature in individuals affected with TMEM127-related conditions. An algorithm developed to predict the effect of missense changes on protein structure and function (PolyPhen-2) suggests that this variant is likely to be disruptive. In summary, the available evidence is currently insufficient to determine the role of this variant in disease. Therefore, it has been classified as a Variant of Uncertain Significance.

NM_017849.4(TMEM127):c.458T>C (p.Leu153Pro)

Gene: TMEM127 (transmembrane protein 127; minus strand). Cytogenetic location: 2q11.2.
Variant type: single nucleotide variant.
Coding change: c.458T>C on transcript NM_017849.4 (MANE Select); coding-DNA position 458, T replaced by C.
Protein change: p.Leu153Pro; replaces leucine 153 with proline.
Molecular consequence: missense variant.
Genome position (GRCh38, 1-based): chr2:96,254,067, A>G on the plus strand (T>C on the coding strand, the complement: TMEM127 is on the minus strand). VCF-style: chr2-96254067-A-G. GRCh37 (hg19) VCF-style: chr2-96919805-A-G.
Other names: c.458T>C, p.Leu153Pro (NM_001193304.3); c.206T>C, p.Leu69Pro (NM_001407282.1, NM_001407283.1); short protein forms L153P, L69P.
Identifiers: ClinVar variation 3632625 (VCV003632625.3).